The following is an entry in ClinVar:

ClinVar aggregate classification (germline): Uncertain significance (1 of 4 stars; one submission).

Conditions:
KIF21A-related disorder. Also called: KIF21A-related condition.

Submission:

PreventionGenetics, part of Exact Sciences
Classification: Uncertain significance for KIF21A-related condition. Last evaluated: 2025-01-28. Review status: criteria provided, single submitter. Criteria: ACMG Guidelines, 2015. Collection method: clinical testing. Allele origin: germline.
Comment: The KIF21A c.577C>T variant is predicted to result in the amino acid substitution p.Arg193Cys. To our knowledge, this variant has not been reported in the literature. This variant is present in 0.0065% of alleles in individuals of South Asian descent in gnomAD. At this time, the clinical significance of this variant is uncertain due to the absence of conclusive functional and genetic evidence.

NM_001173464.2(KIF21A):c.577C>T (p.Arg193Cys)

Gene: KIF21A (kinesin family member 21A; minus strand). Cytogenetic location: 12q12.
Variant type: single nucleotide variant.
Coding change: c.577C>T on transcript NM_001173464.2 (MANE Select); coding-DNA position 577, C replaced by T.
Protein change: p.Arg193Cys; replaces arginine 193 with cysteine.
Molecular consequence: missense variant.
Genome position (GRCh38, 1-based): chr12:39,367,906, G>A on the plus strand (C>T on the coding strand, the complement: KIF21A is on the minus strand). VCF-style: chr12-39367906-G-A. GRCh37 (hg19) VCF-style: chr12-39761708-G-A.
Other names: c.577C>T, p.Arg193Cys (NM_001173463.2, NM_001173465.2, NM_001378439.1 and 3 more transcripts); short protein forms R193C.
Identifiers: ClinVar variation 4979714 (VCV004979714.1).
Genomic context (GRCh38, chr12:39,367,906, plus strand): 5'-CAACTATGCTCTGTTTTAACTATAATATAAATATTACCTCTGATTCTGTATTCACAGTAC[G>A]TGTTGTAACGCCCACAGTATAAATTCCTCCAGTTGAATCTTCATGAATTCTTATATTTGA-3'
Protein context (NP_001166935.1, residues 183-203): GGIYTVGVTT[Arg193Cys]TVNTESEMMQ